The following is an entry in ClinVar:

NM_198578.4(LRRK2):c.1636G>T (p.Val546Phe)

Gene: LRRK2 (leucine rich repeat kinase 2; plus strand). Cytogenetic location: 12q12.
Variant type: single nucleotide variant.
Coding change: c.1636G>T on transcript NM_198578.4 (MANE Select); coding-DNA position 1636, G replaced by T.
Protein change: p.Val546Phe; replaces valine 546 with phenylalanine.
Molecular consequence: missense variant.
Genome position (GRCh38, 1-based): chr12:40,263,881, G>T. VCF-style: chr12-40263881-G-T. GRCh37 (hg19) VCF-style: chr12-40657683-G-T.
Other names: short protein forms V546F.
Identifiers: ClinVar variation 1776942 (VCV001776942.3), dbSNP rs2499572646, ClinGen allele CA384399196.

ClinVar aggregate classification (germline): Uncertain significance (1 of 4 stars; one submission).

Conditions:
Inborn genetic diseases. Identifiers: MedGen C0950123, MeSH D030342.

Submission:

Ambry Genetics
Classification: Uncertain significance for Inborn genetic diseases. Last evaluated: 2024-04-01. Review status: criteria provided, single submitter. Criteria: Ambry Variant Classification Scheme 2023. Collection method: clinical testing. Allele origin: germline.
Comment: The p.V546F variant (also known as c.1636G>T), located in coding exon 14 of the LRRK2 gene, results from a G to T substitution at nucleotide position 1636. The valine at codon 546 is replaced by phenylalanine, an amino acid with highly similar properties. This amino acid position is conserved. In addition, the in silico prediction for this alteration is inconclusive. Since supporting evidence is limited at this time, the clinical significance of this alteration remains unclear.